The following is an entry in ClinVar:

ClinVar aggregate classification (germline): Likely benign. Review status: criteria provided, multiple submitters, no conflicts (2 of 4 stars). 3 submissions from 3 submitters: Likely benign (3). Last evaluated 2023-04-11.

Conditions:
Developmental and epileptic encephalopathy, 23 (DEE23). Also called: Epileptic encephalopathy, early infantile, 23. Identifiers: Orphanet 411986, MedGen C4014492, MONDO:0014371, OMIM 615859.

Allele frequency attached by ClinVar (database versions not stated): ExAC 0.00001; gnomAD exomes 0.00001.
gnomAD v4.1: 9 of 1,613,512 alleles (0.00056%); highest among the groups gnomAD compares: South Asian, 0.0022%; no homozygotes.

Submissions (3):

Genome-Nilou Lab
Classification: Likely benign for Developmental and epileptic encephalopathy, 23. Last evaluated: 2023-04-11. Review status: criteria provided, single submitter. Criteria: ACMG Guidelines, 2015. Collection method: clinical testing. Allele origin: germline. Affected: no.

Labcorp Genetics (formerly Invitae), Labcorp
Classification: Likely benign for Developmental and epileptic encephalopathy, 23. Last evaluated: 2022-07-30. Review status: criteria provided, single submitter. Criteria: Invitae Variant Classification Sherloc (09022015). Collection method: clinical testing. Allele origin: germline.

CeGaT Center for Human Genetics Tuebingen
Classification: Likely benign. Last evaluated: 2022-06-01. Review status: criteria provided, single submitter. Criteria: CeGaT Center For Human Genetics Tuebingen Variant Classification Criteria Version 2. Collection method: clinical testing. Allele origin: germline. Affected: yes. Observed: 1 variant allele.
Comment: DOCK7: BP4, BP7

NM_001367561.1(DOCK7):c.1182T>C (p.Tyr394=)

Gene: DOCK7 (dedicator of cytokinesis 7; minus strand). Cytogenetic location: 1p31.3.
Variant type: single nucleotide variant.
Coding change: c.1182T>C on transcript NM_001367561.1 (MANE Select); coding-DNA position 1182, T replaced by C.
Protein change: p.Tyr394=; no amino-acid change (tyrosine 394 retained).
Molecular consequence: synonymous variant.
Genome position (GRCh38, 1-based): chr1:62,631,340, A>G on the plus strand (T>C on the coding strand, the complement: DOCK7 is on the minus strand). VCF-style: chr1-62631340-A-G. GRCh37 (hg19) VCF-style: chr1-63097011-A-G.
Other names: c.1182T>C, p.Tyr394= (NM_001271999.2, NM_001272000.2, NM_001272001.2 and 3 more transcripts).
Identifiers: ClinVar variation 1694515 (VCV001694515.36), dbSNP rs768933704, ClinGen allele CA887005.